The following is an entry in ClinVar:

ClinVar aggregate classification (germline): Benign/Likely benign. Review status: criteria provided, multiple submitters, no conflicts (2 of 4 stars). 5 submissions from 5 submitters: Benign (1); Likely benign (4). Last evaluated 2026-02-03.

Conditions:
Cardiovascular phenotype. Identifiers: MedGen CN230736.
Hypertrophic cardiomyopathy. Also called: HYPERTROPHIC MYOCARDIOPATHY. Identifiers: Orphanet 217569, MedGen C0007194, MeSH D002312, MONDO:0005045, HP:0001639.

Allele frequency attached by ClinVar (database versions not stated): 1000 Genomes Project 30x 0.00203; 1000 Genomes Project 0.00220; TOPMed 0.00425; gnomAD 0.00427 and 0.00435; ESP Exome Variant Server 0.00436; gnomAD exomes 0.00440 and 0.00582; ExAC 0.00467.
gnomAD v4.1: 8,994 of 1,601,050 alleles (0.56%); highest among the groups gnomAD compares: Non-Finnish European, 0.67%; 36 homozygotes.

Submissions (5):

Labcorp Genetics (formerly Invitae), Labcorp
Classification: Benign for Hypertrophic cardiomyopathy. Last evaluated: 2026-02-03. Review status: criteria provided, single submitter. Criteria: Invitae Variant Classification Sherloc (09022015). Collection method: clinical testing. Allele origin: germline.

CeGaT Center for Human Genetics Tuebingen
Classification: Likely benign. Last evaluated: 2024-09-01. Review status: criteria provided, single submitter. Criteria: CeGaT Center For Human Genetics Tuebingen Variant Classification Criteria Version 2. Collection method: clinical testing. Allele origin: germline. Affected: yes. Observed: 2 variant alleles.
Comment: MYOM1: BP4

Laboratory for Molecular Medicine, Mass General Brigham Personalized Medicine
Classification: Likely benign. Last evaluated: 2015-04-09. Review status: criteria provided, single submitter. Criteria: LMM Criteria. Collection method: clinical testing. Allele origin: germline. Observed: 4 variant alleles.
Comment: p.Glu247Lys in exon 4 of MYOM1: This variant is not expected to have clinical si gnificance because it has been identified in 0.8% (48/6100) of Finnish chromosom es by the Exome Aggregation Consortium (ExAC; db SNP rs139422575).

Ambry Genetics
Classification: Likely benign for Cardiovascular phenotype. Last evaluated: 2013-02-18. Review status: criteria provided, single submitter. Criteria: Ambry Autosomal Dominant and X-Linked criteria (10/2015). Collection method: clinical testing. Allele origin: germline. Observed: 1 variant allele.

Breakthrough Genomics
Classification: Likely benign. Review status: criteria provided, single submitter. Criteria: ACMG Guidelines, 2015. Collection method: not provided. Allele origin: germline. Inheritance: Unknown mechanism. Affected: yes.

NM_003803.4(MYOM1):c.739G>A (p.Glu247Lys)

Gene: MYOM1 (myomesin 1; minus strand). Cytogenetic location: 18p11.31.
Variant type: single nucleotide variant.
Coding change: c.739G>A on transcript NM_003803.4 (MANE Select); coding-DNA position 739, G replaced by A.
Protein change: p.Glu247Lys; replaces glutamic acid 247 with lysine.
Molecular consequence: missense variant.
Genome position (GRCh38, 1-based): chr18:3,188,780, C>T on the plus strand (G>A on the coding strand, the complement: MYOM1 is on the minus strand). VCF-style: chr18-3188780-C-T. GRCh37 (hg19) VCF-style: chr18-3188778-C-T.
Other names: c.739G>A, p.Glu247Lys (NM_019856.2); short protein forms E247K.
Identifiers: ClinVar variation 227707 (VCV000227707.40), dbSNP rs139422575, ClinGen allele CA8875171.